The following is an entry in ClinVar:

Conditions:
Breast-ovarian cancer, familial, susceptibility to, 1 (BROVCA1). Also called: BRCA1 Hereditary Breast and Ovarian Cancer; OVARIAN CANCER, SUSCEPTIBILITY TO. Identifiers: Orphanet 145, MedGen C2676676, MONDO:0011450, OMIM 604370. Disease mechanism: loss of function.

Submission:

Brotman Baty Institute, University of Washington
No classification provided (evidence only). Condition: Breast-ovarian cancer, familial 1. Review status: no classification provided. Collection method: in vitro. Allele origin: not applicable. Functional consequence: functionally_normal.
ClinVar note: "not provided" was previously submitted as the classification for the variant. However, the classification appeared to be based only on an observation of functional data so it was converted to no classification on 2025-07-30.

NM_007294.4(BRCA1):c.5356C>G (p.Leu1786Val)

Gene: BRCA1 (BRCA1 DNA repair associated; minus strand). Cytogenetic location: 17q21.31.
Variant type: single nucleotide variant.
Coding change: c.5356C>G on transcript NM_007294.4 (MANE Select); coding-DNA position 5356, C replaced by G.
Protein change: p.Leu1786Val; replaces leucine 1786 with valine.
Molecular consequence: missense variant. On other transcripts: non-coding transcript variant (1), intron variant (1).
Genome position (GRCh38, 1-based): chr17:43,049,171, G>C on the plus strand (C>G on the coding strand, the complement: BRCA1 is on the minus strand). VCF-style: chr17-43049171-G-C. GRCh37 (hg19) VCF-style: chr17-41201188-G-C.
Other names: c.5143C>G, p.Leu1715Val (NM_001407571.1, NM_001407894.1, NM_001407895.1 and 12 more transcripts); c.5422C>G, p.Leu1808Val (NM_001407581.1, NM_001407582.1); c.5419C>G, p.Leu1807Val (NM_001407583.1, NM_001407585.1, NM_001407587.1 and 1 more transcripts); c.5416C>G, p.Leu1806Val (NM_001407590.1, NM_001407591.1); c.5356C>G, p.Leu1786Val (NM_001407593.1, NM_001407594.1, NM_001407596.1 and 5 more transcripts); c.5353C>G, p.Leu1785Val (NM_001407613.1, NM_001407614.1, NM_001407615.1 and 14 more transcripts); c.5350C>G, p.Leu1784Val (NM_001407632.1, NM_001407633.1, NM_001407634.1 and 13 more transcripts); c.5278C>G, p.Leu1760Val (NM_001407654.1, NM_001407655.1, NM_001407652.1 and 1 more transcripts); and 73 more; short protein forms L1807V, L682V, L1739V, L1786V, L1632V, L1718V, L1719V, L1742V.
Identifiers: ClinVar variation 865376 (VCV000865376.3), dbSNP rs1555575167, ClinGen allele CA10590751.